The following is an entry in ClinVar:

NM_000632.4(ITGAM):c.2174C>T (p.Pro725Leu)

Gene: ITGAM (integrin subunit alpha M; plus strand). Cytogenetic location: 16p11.2.
Variant type: single nucleotide variant.
Coding change: c.2174C>T on transcript NM_000632.4 (MANE Select); coding-DNA position 2174, C replaced by T.
Protein change: p.Pro725Leu; replaces proline 725 with leucine.
Molecular consequence: missense variant.
Genome position (GRCh38, 1-based): chr16:31,324,667, C>T. VCF-style: chr16-31324667-C-T. GRCh37 (hg19) VCF-style: chr16-31335988-C-T.
Other names: c.2177C>T, p.Pro726Leu (NM_001145808.2); short protein forms P725L, P726L.
Identifiers: ClinVar variation 2760016 (VCV002760016.3), dbSNP rs2080487102, ClinGen allele CA395688206.
Genomic context (GRCh38, chr16:31,324,667, plus strand): 5'-GGGAGCTGAGGAGGGCAGATCCCCAAATCCCGGCTATCTCTTAGAATTGCATCGAGGACC[C>T]AGTGAGCCCCATTGTGCTGCGCCTGAACTTCTCTCTGGTGGGAACGCCATTGTCTGCTTT-3'
Protein context (NP_000623.2, residues 715-735): KLQLPNCIED[Pro725Leu]VSPIVLRLNF

ClinVar aggregate classification (germline): Uncertain significance (1 of 4 stars; one submission).

Allele frequency attached by ClinVar (database versions not stated): gnomAD exomes below 0.00001; TOPMed below 0.00001.

Submission:

Labcorp Genetics (formerly Invitae), Labcorp
Classification: Uncertain significance. Last evaluated: 2023-09-11. Review status: criteria provided, single submitter. Criteria: Invitae Variant Classification Sherloc (09022015). Collection method: clinical testing. Allele origin: germline.
Comment: This sequence change replaces proline, which is neutral and non-polar, with leucine, which is neutral and non-polar, at codon 725 of the ITGAM protein (p.Pro725Leu). This variant is not present in population databases (gnomAD no frequency). This variant has not been reported in the literature in individuals affected with ITGAM-related conditions. An algorithm developed to predict the effect of missense changes on protein structure and function (PolyPhen-2) suggests that this variant is likely to be tolerated. In summary, the available evidence is currently insufficient to determine the role of this variant in disease. Therefore, it has been classified as a Variant of Uncertain Significance.